The following is an entry in ClinVar:

ClinVar aggregate classification (germline): Likely benign. Review status: criteria provided, multiple submitters, no conflicts (2 of 4 stars). 5 submissions from 5 submitters: Likely benign (5). Last evaluated 2026-05-03.

Conditions:
Cardiomyopathy (CMYO). Also called: Cardiomyopathies. Identifiers: Orphanet 167848, MedGen C0878544, MONDO:0004994, HP:0001638. Inheritance: Various modes of inheritance.
Cardiovascular phenotype. Identifiers: MedGen CN230736.
Hypertrophic cardiomyopathy. Also called: HYPERTROPHIC MYOCARDIOPATHY. Identifiers: Orphanet 217569, MedGen C0007194, MeSH D002312, MONDO:0005045, HP:0001639.

Allele frequency attached by ClinVar (database versions not stated): gnomAD exomes below 0.00001; ExAC 0.00001.
gnomAD v4.1: 2 of 1,614,150 alleles (0.00012%); highest among the groups gnomAD compares: Non-Finnish European, 0.00017%; no homozygotes.

Submissions (5):

Ambry Genetics
Classification: Likely benign for Cardiovascular phenotype. Last evaluated: 2026-05-03. Review status: criteria provided, single submitter. Criteria: Ambry Variant Classification Scheme 2023. Collection method: clinical testing. Allele origin: germline.

All of Us Research Program, National Institutes of Health
Classification: Likely benign for Cardiomyopathy. Last evaluated: 2024-09-23. Review status: criteria provided, single submitter. Criteria: ACMG Guidelines, 2015. Collection method: clinical testing. Allele origin: germline. Inheritance: Autosomal dominant inheritance. Observed: 2 variant alleles, 2 heterozygotes.
Comment: This study involves interpretation of variants in research participants for the purpose of population health screening. Participant phenotype was not available at the time of variant classification. Additional details can be found in publication PMID: 35346344, PMCID: PMC8962531

Color Diagnostics, LLC DBA Color Health
Classification: Likely benign for Cardiomyopathy. Last evaluated: 2024-02-14. Review status: criteria provided, single submitter. Criteria: ACMG Guidelines, 2015. Collection method: clinical testing. Allele origin: germline.

Labcorp Genetics (formerly Invitae), Labcorp
Classification: Likely benign for Hypertrophic cardiomyopathy. Last evaluated: 2019-10-30. Review status: criteria provided, single submitter. Criteria: Invitae Variant Classification Sherloc (09022015). Collection method: clinical testing. Allele origin: germline.

Blueprint Genetics
Classification: Likely benign. Last evaluated: 2018-07-18. Review status: criteria provided, single submitter. Criteria: ACMG Guidelines, 2015. Collection method: clinical testing. Allele origin: germline.

NM_000257.4(MYH7):c.1995C>A (p.Thr665=)

Gene: MYH7 (myosin heavy chain 7; minus strand). Cytogenetic location: 14q11.2.
Variant type: single nucleotide variant.
Coding change: c.1995C>A on transcript NM_000257.4 (MANE Select); coding-DNA position 1995, C replaced by A.
Protein change: p.Thr665=; no amino-acid change (threonine 665 retained).
Molecular consequence: synonymous variant.
Genome position (GRCh38, 1-based): chr14:23,426,826, G>T on the plus strand (C>A on the coding strand, the complement: MYH7 is on the minus strand). VCF-style: chr14-23426826-G-T. GRCh37 (hg19) VCF-style: chr14-23896035-G-T.
Identifiers: ClinVar variation 1125028 (VCV001125028.12), dbSNP rs773276752, ClinGen allele CA030614.